The following is an entry in ClinVar:

ClinVar aggregate classification (germline): Likely benign (1 of 4 stars; one submission).

Submission:

CeGaT Center for Human Genetics Tuebingen
Classification: Likely benign. Last evaluated: 2026-02-01. Review status: criteria provided, single submitter. Criteria: CeGaT Center For Human Genetics Tuebingen Variant Classification Criteria Version 2. Collection method: clinical testing. Allele origin: germline. Affected: yes. Observed: 1 variant allele.
Comment: GGT2P: BP4, BP7

NC_000022.11:g.21222097G>A

Gene: GGT2 (gamma-glutamyltransferase 2; minus strand). Cytogenetic location: 22q11.21.
Variant type: single nucleotide variant.
Genome position: GRCh38 VCF-style: chr22-21222097-G-A. GRCh37 (hg19) VCF-style: chr22-21576386-G-A.
Identifiers: ClinVar variation 4821269 (VCV004821269.4).
Genomic context (GRCh38, chr22:21,222,097, plus strand): 5'-AACCCACACCCCCTGCCCCTCTCCCTCTCCTCTTCTGAGGCACTCATGAGTGGTGCTGTT[G>A]TAGATGGTGAGGAAGAGGCCAACCCCGATGCCCATGCTGTGGGCATTCATGAGCCCCACA-3'